The following is an entry in ClinVar:

NM_001142459.2(ASB10):c.870G>C (p.Ala290=)

Gene: ASB10 (ankyrin repeat and SOCS box containing 10; minus strand). Cytogenetic location: 7q36.1.
Variant type: single nucleotide variant.
Coding change: c.870G>C on transcript NM_001142459.2 (MANE Select); coding-DNA position 870, G replaced by C.
Protein change: p.Ala290=; no amino-acid change (alanine 290 retained).
Molecular consequence: synonymous variant.
Genome position (GRCh38, 1-based): chr7:151,181,173, C>G on the plus strand (G>C on the coding strand, the complement: ASB10 is on the minus strand). VCF-style: chr7-151181173-C-G. GRCh37 (hg19) VCF-style: chr7-150878260-C-G.
Other names: c.870G>C, p.Ala290= (NM_001142460.1); c.825G>C, p.Ala275= (NM_080871.4).
Identifiers: ClinVar variation 667623 (VCV000667623.10), dbSNP rs2253592, ClinGen allele CA4573744.

ClinVar aggregate classification (germline): Benign. Review status: criteria provided, multiple submitters, no conflicts (2 of 4 stars). 3 submissions from 3 submitters: Benign (3). Last evaluated 2026-02-02.

Allele frequency attached by ClinVar (database versions not stated): 1000 Genomes Project 0.50379; ESP Exome Variant Server 0.48337; TOPMed 0.49114; 1000 Genomes Project 30x 0.51109.
gnomAD v4.1: 623,717 of 1,610,130 alleles (39%); highest among the groups gnomAD compares: African/African-American, 73%; 127,099 homozygotes.

Submissions (3):

Labcorp Genetics (formerly Invitae), Labcorp
Classification: Benign. Last evaluated: 2026-02-02. Review status: criteria provided, single submitter. Criteria: Invitae Variant Classification Sherloc (09022015). Collection method: clinical testing. Allele origin: germline.

GeneDx
Classification: Benign. Last evaluated: 2018-05-02. Review status: criteria provided, single submitter. Criteria: GeneDx Variant Classification (06012015). Collection method: clinical testing. Allele origin: germline. Affected: yes.
Comment: This variant is considered likely benign or benign based on one or more of the following criteria: it is a conservative change, it occurs at a poorly conserved position in the protein, it is predicted to be benign by multiple in silico algorithms, and/or has population frequency not consistent with disease.

Breakthrough Genomics
Classification: Benign. Review status: criteria provided, single submitter. Criteria: ACMG Guidelines, 2015. Collection method: not provided. Allele origin: germline. Inheritance: Autosomal dominant inheritance. Affected: yes.